The following is an entry in ClinVar:

ClinVar aggregate classification (germline): Uncertain significance (1 of 4 stars; one submission).

Conditions:
NIK deficiency. Also called: Primary immunodeficiency with multifaceted aberrant lymphoid immunity. Identifiers: Orphanet 447731, MedGen C5680065, MONDO:0018642.

gnomAD v4.1: 1 of 1,613,024 alleles (0.000062%); no homozygotes.

Submission:

Labcorp Genetics (formerly Invitae), Labcorp
Classification: Uncertain significance for NIK deficiency. Last evaluated: 2022-01-26. Review status: criteria provided, single submitter. Criteria: Invitae Variant Classification Sherloc (09022015). Collection method: clinical testing. Allele origin: germline.
Comment: In summary, the available evidence is currently insufficient to determine the role of this variant in disease. Therefore, it has been classified as a Variant of Uncertain Significance. Experimental studies and prediction algorithms are not available or were not evaluated, and the functional significance of this variant is currently unknown. This variant has not been reported in the literature in individuals affected with MAP3K14-related conditions. This variant is not present in population databases (gnomAD no frequency). This sequence change replaces phenylalanine, which is neutral and non-polar, with leucine, which is neutral and non-polar, at codon 599 of the MAP3K14 protein (p.Phe599Leu).

NM_003954.5(MAP3K14):c.1797C>A (p.Phe599Leu)

Gene: MAP3K14 (mitogen-activated protein kinase kinase kinase 14; minus strand). Cytogenetic location: 17q21.31.
Variant type: single nucleotide variant.
Coding change: c.1797C>A on transcript NM_003954.5 (MANE Select); coding-DNA position 1797, C replaced by A.
Protein change: p.Phe599Leu; replaces phenylalanine 599 with leucine.
Molecular consequence: missense variant.
Genome position (GRCh38, 1-based): chr17:45,271,082, G>T on the plus strand (C>A on the coding strand, the complement: MAP3K14 is on the minus strand). VCF-style: chr17-45271082-G-T. GRCh37 (hg19) VCF-style: chr17-43348449-G-T.
Other names: short protein forms F599L.
Identifiers: ClinVar variation 2090063 (VCV002090063.4), dbSNP rs1567988227, ClinGen allele CA399879386.